The following is an entry in ClinVar:

ClinVar aggregate classification (germline): Likely pathogenic (1 of 4 stars; one submission).

Conditions:
Neuromuscular disease caused by qualitative or quantitative defects of dysferlin. Also called: Dysferlinopathy; Qualitative or quantitative defects of dysferlin. Identifiers: Orphanet 207073, MedGen C2931687, MONDO:0016145.

Submissions (2):

Labcorp Genetics (formerly Invitae), Labcorp
Classification: Likely pathogenic for Neuromuscular disease caused by qualitative or quantitative defects of dysferlin. Last evaluated: 2022-03-27. Review status: criteria provided, single submitter. Criteria: Invitae Variant Classification Sherloc (09022015). Collection method: clinical testing. Allele origin: germline.
Comment: In summary, the currently available evidence indicates that the variant is pathogenic, but additional data are needed to prove that conclusively. Therefore, this variant has been classified as Likely Pathogenic. Algorithms developed to predict the effect of sequence changes on RNA splicing suggest that this variant may disrupt the consensus splice site. This variant has not been reported in the literature in individuals affected with DYSF-related conditions. This variant is not present in population databases (gnomAD no frequency). This sequence change affects an acceptor splice site in intron 4 of the DYSF gene. It is expected to disrupt RNA splicing. Variants that disrupt the donor or acceptor splice site typically lead to a loss of protein function (PMID: 16199547), and loss-of-function variants in DYSF are known to be pathogenic (PMID: 17698709, 20301480).

Dr. Peter K. Rogan Lab, Western University
No classification provided (evidence only). Condition: Acute myeloid leukemia. Review status: no classification provided. Collection method: in vitro. Allele origin: not applicable. Functional consequence: skipped exon. Not counted in ClinVar's aggregate classification.

Literature cited by the submitters: PubMed 16199547 (cited by Labcorp Genetics (formerly Invitae), Labcorp); PubMed 17698709 (cited by Labcorp Genetics (formerly Invitae), Labcorp); PubMed 20301480 (cited by Labcorp Genetics (formerly Invitae), Labcorp).

NM_001130987.2(DYSF):c.346-2A>C

Gene: DYSF (dysferlin; plus strand). Cytogenetic location: 2p13.2.
Variant type: single nucleotide variant.
Coding change: c.346-2A>C on transcript NM_001130987.2 (MANE Select); the canonical splice acceptor site of the intron before coding-DNA position 346, A replaced by C.
Molecular consequence: splice acceptor variant.
Genome position (GRCh38, 1-based): chr2:71,511,805, A>C. VCF-style: chr2-71511805-A-C. GRCh37 (hg19) VCF-style: chr2-71738935-A-C.
Other names: c.343-2A>C (NM_001130979.2, NM_001130981.2, NM_001130980.2 and 4 more transcripts); c.346-2A>C (NM_001130982.2, NM_001130985.2, NM_001130983.2 and 3 more transcripts).
Identifiers: ClinVar variation 2118091 (VCV002118091.5), dbSNP rs2152728575, ClinGen allele CA347205366.